The following is an entry in ClinVar:

NM_018979.4(WNK1):c.2266C>T (p.Gln756Ter)

Gene: WNK1 (WNK lysine deficient protein kinase 1; plus strand). Cytogenetic location: 12p13.33.
Variant type: single nucleotide variant.
Coding change: c.2266C>T on transcript NM_018979.4 (MANE Select); coding-DNA position 2266, C replaced by T.
Protein change: p.Gln756Ter; replaces glutamine 756 with a stop codon.
Molecular consequence: nonsense.
Genome position (GRCh38, 1-based): chr12:878,254, C>T. VCF-style: chr12-878254-C-T. GRCh37 (hg19) VCF-style: chr12-987420-C-T.
Other names: c.3505C>T, p.Gln1169Ter (NM_001184985.2); c.2263C>T, p.Gln755Ter (NM_014823.3); c.3760C>T, p.Gln1254Ter (NM_213655.5); short protein forms Q755*, Q1169*, Q1254*, Q756*.
Identifiers: ClinVar variation 2165720 (VCV002165720.4), dbSNP rs768622577, ClinGen allele CA383325652.
Genomic context (GRCh38, chr12:878,254, plus strand): 5'-ATTGTATTTTATTCTTAGCAGCAGGGAATACAGCAGACAGCCCCTCCTCAACAGACAGTG[C>T]AGTATTCACTTTCACAGACATCAACCTCCAGTGAGGCCACTACTGCACAGCCAGTGAGTC-3'

ClinVar aggregate classification (germline): Pathogenic (1 of 4 stars; one submission).

Conditions:
Neuropathy, hereditary sensory and autonomic, type 2A (HSAN2A). Also called: ACROOSTEOLYSIS, GIACCAI TYPE; ACROOSTEOLYSIS, NEUROGENIC; MORVAN DISEASE; NEUROPATHY, CONGENITAL SENSORY; NEUROPATHY, HEREDITARY SENSORY RADICULAR, AUTOSOMAL RECESSIVE; NEUROPATHY, HEREDITARY SENSORY, TYPE IIA. Identifiers: Orphanet 970, MedGen C2752089, MONDO:0024309, OMIM 201300.
Pseudohypoaldosteronism type 2C (PHA2C). Also called: Pseudohypoaldosteronism Type IIC. Identifiers: Orphanet 757, Orphanet 88940, MedGen C1840391, MONDO:0013778, OMIM 614492.

Submission:

Labcorp Genetics (formerly Invitae), Labcorp
Classification: Pathogenic for Neuropathy, hereditary sensory and autonomic, type 2A; Pseudohypoaldosteronism type 2C. Last evaluated: 2022-09-17. Review status: criteria provided, single submitter. Criteria: Invitae Variant Classification Sherloc (09022015). Collection method: clinical testing. Allele origin: germline.
Comment: For these reasons, this variant has been classified as Pathogenic. This variant has not been reported in the literature in individuals affected with WNK1-related conditions. This variant is not present in population databases (gnomAD no frequency). This sequence change creates a premature translational stop signal (p.Gln1254*) in the WNK1 gene. It is expected to result in an absent or disrupted protein product. Loss-of-function variants in WNK1 are known to be pathogenic (PMID: 22910560).

Literature cited by the submitters: PubMed 22910560.